The following is an entry in ClinVar:

NM_014049.5(ACAD9):c.1303T>C (p.Tyr435His)

Gene: ACAD9 (acyl-CoA dehydrogenase family member 9; plus strand). Cytogenetic location: 3q21.3.
Variant type: single nucleotide variant.
Coding change: c.1303T>C on transcript NM_014049.5 (MANE Select); coding-DNA position 1303, T replaced by C.
Protein change: p.Tyr435His; replaces tyrosine 435 with histidine.
Molecular consequence: missense variant. On other transcripts: non-coding transcript variant (1).
Genome position (GRCh38, 1-based): chr3:128,908,209, T>C. VCF-style: chr3-128908209-T-C. GRCh37 (hg19) VCF-style: chr3-128627052-T-C.
Other names: c.934T>C, p.Tyr312His (NM_001410805.1); short protein forms Y435H, Y312H.
Identifiers: ClinVar variation 2155894 (VCV002155894.1), dbSNP rs1330163471, ClinGen allele CA354437952.
Genomic context (GRCh38, chr3:128,908,209, plus strand): 5'-GGGGGCAGCCTTTGACCTCTACACTACTGACCACAGGGAACCAATGAGATTCTCCGGATG[T>C]ACATCGCCCTGACGGGTCTGCAGCATGCCGGCCGCATCCTGACTACCAGGATCCAGTAGG-3'
Protein context (NP_054768.2, residues 425-445): FEGTNEILRM[Tyr435His]IALTGLQHAG

ClinVar aggregate classification (germline): Uncertain significance (1 of 4 stars; one submission).

Allele frequency attached by ClinVar (database versions not stated): gnomAD exomes 0.00001.
gnomAD v4.1: 17 of 1,614,066 alleles (0.0011%); highest among the groups gnomAD compares: African/African-American, 0.0027%; no homozygotes.

Submission:

Labcorp Genetics (formerly Invitae), Labcorp
Classification: Uncertain significance. Last evaluated: 2022-03-11. Review status: criteria provided, single submitter. Criteria: Invitae Variant Classification Sherloc (09022015). Collection method: clinical testing. Allele origin: germline.
Comment: This sequence change replaces tyrosine, which is neutral and polar, with histidine, which is basic and polar, at codon 435 of the ACAD9 protein (p.Tyr435His). The frequency data for this variant in the population databases is considered unreliable, as metrics indicate poor data quality at this position in the gnomAD database. This variant has not been reported in the literature in individuals affected with ACAD9-related conditions. Algorithms developed to predict the effect of missense changes on protein structure and function are either unavailable or do not agree on the potential impact of this missense change (SIFT: "Deleterious"; PolyPhen-2: "Probably Damaging"; Align-GVGD: "Class C0"). In summary, the available evidence is currently insufficient to determine the role of this variant in disease. Therefore, it has been classified as a Variant of Uncertain Significance.